The following is an entry in ClinVar:

ClinVar aggregate classification (germline): Uncertain significance (1 of 4 stars; one submission).

Submission:

GeneDx
Classification: Uncertain significance. Last evaluated: 2024-02-08. Review status: criteria provided, single submitter. Criteria: GeneDx Variant Classification Process June 2021. Collection method: clinical testing. Allele origin: germline. Affected: yes.
Comment: Not observed at significant frequency in large population cohorts (gnomAD); In silico analysis supports that this missense variant has a deleterious effect on protein structure/function; Has not been previously published as pathogenic or benign to our knowledge

NM_003482.4(KMT2D):c.394C>A (p.Pro132Thr)

Gene: KMT2D (lysine methyltransferase 2D; minus strand). Cytogenetic location: 12q13.12.
Variant type: single nucleotide variant.
Coding change: c.394C>A on transcript NM_003482.4 (MANE Select); coding-DNA position 394, C replaced by A.
Protein change: p.Pro132Thr; replaces proline 132 with threonine.
Molecular consequence: missense variant.
Genome position (GRCh38, 1-based): chr12:49,054,534, G>T on the plus strand (C>A on the coding strand, the complement: KMT2D is on the minus strand). VCF-style: chr12-49054534-G-T. GRCh37 (hg19) VCF-style: chr12-49448317-G-T.
Other names: short protein forms P132T.
Identifiers: ClinVar variation 3369084 (VCV003369084.1).